The following is an entry in ClinVar:

NM_005585.5(SMAD6):c.899A>G (p.Tyr300Cys)

Gene: SMAD6 (SMAD family member 6; plus strand). Cytogenetic location: 15q22.31.
Variant type: single nucleotide variant.
Coding change: c.899A>G on transcript NM_005585.5 (MANE Select); coding-DNA position 899, A replaced by G.
Protein change: p.Tyr300Cys; replaces tyrosine 300 with cysteine.
Molecular consequence: missense variant. On other transcripts: non-coding transcript variant (1).
Genome position (GRCh38, 1-based): chr15:66,716,445, A>G. VCF-style: chr15-66716445-A-G. GRCh37 (hg19) VCF-style: chr15-67008783-A-G.
Other names: short protein forms Y300C.
Identifiers: ClinVar variation 4825485 (VCV004825485.1).

ClinVar aggregate classification (germline): Uncertain significance (1 of 4 stars; one submission).

Conditions:
Inborn genetic diseases. Identifiers: MedGen C0950123, MeSH D030342.

gnomAD v4.1: 2 of 1,613,918 alleles (0.00012%); highest among the groups gnomAD compares: African/African-American, 0.0027%; no homozygotes.

Submission:

Ambry Genetics
Classification: Uncertain significance for Inborn genetic diseases. Last evaluated: 2026-01-25. Review status: criteria provided, single submitter. Criteria: Ambry Variant Classification Scheme 2023. Collection method: clinical testing. Allele origin: germline.
Comment: The p.Y300C variant (also known as c.899A>G), located in coding exon 3 of the SMAD6 gene, results from an A to G substitution at nucleotide position 899. The tyrosine at codon 300 is replaced by cysteine, an amino acid with highly dissimilar properties. This amino acid position is conserved. In addition, this alteration is predicted to be deleterious by in silico analysis. Based on the available evidence, the clinical significance of this variant remains unclear.